The following is an entry in ClinVar:

ClinVar aggregate classification (germline): Likely benign (1 of 4 stars; one submission).

Allele frequency attached by ClinVar (database versions not stated): gnomAD exomes 0.00001; TOPMed 0.00002; ExAC 0.00003; gnomAD 0.00003; ESP Exome Variant Server 0.00008.
gnomAD v4.1: 16 of 1,614,034 alleles (0.00099%); highest among the groups gnomAD compares: Admixed American, 0.0033%; no homozygotes.

Submission:

CeGaT Center for Human Genetics Tuebingen
Classification: Likely benign. Last evaluated: 2022-08-01. Review status: criteria provided, single submitter. Criteria: CeGaT Center For Human Genetics Tuebingen Variant Classification Criteria Version 2. Collection method: clinical testing. Allele origin: germline. Affected: yes. Observed: 1 variant allele.
Comment: SPINDOC: BP4, BP7

NM_138471.3(SPINDOC):c.816C>T (p.Ala272=)

Gene: SPINDOC (spindlin interactor and repressor of chromatin binding; plus strand). Cytogenetic location: 11q13.1.
Variant type: single nucleotide variant.
Coding change: c.816C>T on transcript NM_138471.3 (MANE Select); coding-DNA position 816, C replaced by T.
Protein change: p.Ala272=; no amino-acid change (alanine 272 retained).
Molecular consequence: synonymous variant.
Genome position (GRCh38, 1-based): chr11:63,818,884, C>T. VCF-style: chr11-63818884-C-T. GRCh37 (hg19) VCF-style: chr11-63586356-C-T.
Identifiers: ClinVar variation 2641905 (VCV002641905.24), dbSNP rs370050900, ClinGen allele CA6065105.